The following is an entry in ClinVar:

ClinVar aggregate classification (germline): Uncertain significance (1 of 4 stars; one submission).

Conditions:
Nephronophthisis 16 (NPHP16). Identifiers: Orphanet 655, MedGen C3809320, MONDO:0014158, OMIM 615382.

gnomAD v4.1: 1 of 1,599,756 alleles (0.000063%); highest among the groups gnomAD compares: Non-Finnish European, 0.000085%; no homozygotes.

Submission:

3billion
Classification: Uncertain significance for Nephronophthisis 16. Last evaluated: 2024-11-25. Review status: criteria provided, single submitter. Criteria: ACMG Guidelines, 2015. Collection method: clinical testing. Allele origin: germline. Affected: yes.
Comment: The variant is observed at an extremely low frequency in the gnomAD v4.1.0 dataset (total allele frequency: <0.001%). Predicted Consequence/Location: Missense variant. The majority of the known disease-causing variants of this gene are variants expected to result in premature termination of the protein. In silico tool predictions suggest damaging effect of the variant on gene or gene product [REVEL: 0.63 (>=0.6, sensitivity 0.68 and specificity 0.92)]. Therefore, this variant is classified as VUS according to the recommendation of ACMG/AMP guideline.

NM_173551.5(ANKS6):c.1093A>G (p.Met365Val)

Gene: ANKS6 (ankyrin repeat and sterile alpha motif domain containing 6; minus strand). Cytogenetic location: 9q22.33.
Variant type: single nucleotide variant.
Coding change: c.1093A>G on transcript NM_173551.5 (MANE Select); coding-DNA position 1093, A replaced by G.
Protein change: p.Met365Val; replaces methionine 365 with valine.
Molecular consequence: missense variant.
Genome position (GRCh38, 1-based): chr9:98,783,972, T>C on the plus strand (A>G on the coding strand, the complement: ANKS6 is on the minus strand). VCF-style: chr9-98783972-T-C. GRCh37 (hg19) VCF-style: chr9-101546254-T-C.
Other names: short protein forms M365V.
Identifiers: ClinVar variation 4292528 (VCV004292528.1).
Genomic context (GRCh38, chr9:98,783,972, plus strand): 5'-CTGTCTGGCCTTGTCGCTGAGGGCGTGGGGCTGGCACTGACCCATGGTAGGTTGCCTGCA[T>C]GAGGGCCGTCCAGCCATGCACGCTGTCCTGCTTGTCAACATCCGCGTGCCTCTCCACCAG-3'
Protein context (NP_775822.3, residues 355-375): QDSVHGWTAL[Met365Val]QATYHGNKEI